The following is an entry in ClinVar:

ClinVar aggregate classification (germline): Uncertain significance. Review status: criteria provided, multiple submitters, no conflicts (2 of 4 stars). 2 submissions from 2 submitters: Uncertain significance (2). Last evaluated 2024-11-09.

Conditions:
Peroxisome biogenesis disorder 2B (PBD2B). Identifiers: Orphanet 44, MedGen C3550234, MONDO:0008736, OMIM 202370.
Inborn genetic diseases. Identifiers: MedGen C0950123, MeSH D030342.

Allele frequency attached by ClinVar (database versions not stated): ExAC 0.00002; gnomAD exomes 0.00002; gnomAD 0.00003 and 0.00004; ESP Exome Variant Server 0.00008; TOPMed 0.00010.
gnomAD v4.1: 16 of 1,613,728 alleles (0.00099%); highest among the groups gnomAD compares: African/African-American, 0.019%; no homozygotes.

Submissions (2):

Ambry Genetics
Classification: Uncertain significance for Inborn genetic diseases. Last evaluated: 2024-11-09. Review status: criteria provided, single submitter. Criteria: Ambry Variant Classification Scheme 2023. Collection method: clinical testing. Allele origin: germline.

Labcorp Genetics (formerly Invitae), Labcorp
Classification: Uncertain significance for Peroxisome biogenesis disorder 2B. Last evaluated: 2022-07-04. Review status: criteria provided, single submitter. Criteria: Invitae Variant Classification Sherloc (09022015). Collection method: clinical testing. Allele origin: germline.
Comment: This sequence change replaces aspartic acid, which is acidic and polar, with histidine, which is basic and polar, at codon 139 of the PEX5 protein (p.Asp139His). This variant is present in population databases (rs375689941, gnomAD 0.03%). This variant has not been reported in the literature in individuals affected with PEX5-related conditions. ClinVar contains an entry for this variant (Variation ID: 1399088). Algorithms developed to predict the effect of missense changes on protein structure and function are either unavailable or do not agree on the potential impact of this missense change (SIFT: "Tolerated"; PolyPhen-2: "Probably Damaging"; Align-GVGD: "Class C0"). In summary, the available evidence is currently insufficient to determine the role of this variant in disease. Therefore, it has been classified as a Variant of Uncertain Significance.

NM_001351132.2(PEX5):c.415G>C (p.Asp139His)

Gene: PEX5 (peroxisomal biogenesis factor 5; plus strand). Cytogenetic location: 12p13.31.
Variant type: single nucleotide variant.
Coding change: c.415G>C on transcript NM_001351132.2 (MANE Select); coding-DNA position 415, G replaced by C.
Protein change: p.Asp139His; replaces aspartic acid 139 with histidine.
Molecular consequence: missense variant.
Genome position (GRCh38, 1-based): chr12:7,191,667, G>C. VCF-style: chr12-7191667-G-C. GRCh37 (hg19) VCF-style: chr12-7344263-G-C.
Other names: c.415G>C, p.Asp139His (NM_000319.5, NM_001131024.2, NM_001131025.2 and 19 more transcripts); c.460G>C, p.Asp154His (NM_001131023.2, NM_001351135.3, NM_001351138.2); c.415G>C (NM_001131025.1); short protein forms D154H, D139H.
Identifiers: ClinVar variation 1399088 (VCV001399088.4), dbSNP rs375689941, ClinGen allele CA6426127.